The following is an entry in ClinVar:

NM_001114753.3(ENG):c.1460T>A (p.Leu487Gln)

Genes: ENG (endoglin; minus strand), LOC102723566 (uncharacterized LOC102723566; plus strand). Cytogenetic location: 9q34.11.
Variant type: single nucleotide variant.
Coding change: c.1460T>A on transcript NM_001114753.3 (MANE Select); coding-DNA position 1460, T replaced by A.
Protein change: p.Leu487Gln; replaces leucine 487 with glutamine.
Molecular consequence: missense variant. On other transcripts: non-coding transcript variant (1).
Genome position (GRCh38, 1-based): chr9:127,818,346, A>T on the plus strand (T>A on the coding strand, the complement: ENG is on the minus strand). VCF-style: chr9-127818346-A-T. GRCh37 (hg19) VCF-style: chr9-130580625-A-T.
Other names: c.1460T>A, p.Leu487Gln (NM_000118.4); c.914T>A, p.Leu305Gln (NM_001278138.2); short protein forms L305Q, L487Q.
Identifiers: ClinVar variation 4870453 (VCV004870453.1).

ClinVar aggregate classification (germline): Uncertain significance (1 of 4 stars; one submission).

Conditions:
Cardiovascular phenotype. Identifiers: MedGen CN230736.

Submission:

Ambry Genetics
Classification: Uncertain significance for Cardiovascular phenotype. Last evaluated: 2026-04-22. Review status: criteria provided, single submitter. Criteria: Ambry Variant Classification Scheme 2023. Collection method: clinical testing. Allele origin: germline.
Comment: The p.L487Q variant (also known as c.1460T>A), located in coding exon 12 of the ENG gene, results from a T to A substitution at nucleotide position 1460. The leucine at codon 487 is replaced by glutamine, an amino acid with dissimilar properties. This amino acid position is conserved. In addition, this alteration is predicted to be tolerated by in silico analysis. Based on the available evidence, the clinical significance of this variant remains unclear.